The following continues an entry in ClinVar:

NM_007294.4(BRCA1):c.3700_3704del (p.Val1234fs)

ClinVar aggregate classification (germline): Pathogenic. Pathogenic (1).

Submissions 37 to 47 of 47:

Imagene.me medical diagnostic laboratory, IMAGENE.ME SA
Classification: Pathogenic for Breast-ovarian cancer, familial, susceptibility to, 1. Review status: criteria provided, single submitter. Criteria: IMAGENE.ME Variant Classification SOP 2022. Collection method: clinical testing. Allele origin: germline. Not counted in ClinVar's aggregate classification.
Comment: Classified according to the IMAGENE.ME variant classification SOP based on the ACMG guidelines as Pathogenic (P).

BRCAlab, Lund University
Classification: Pathogenic for Breast-ovarian cancer, familial, susceptibility to, 1. Last evaluated: 2022-08-26. Review status: no assertion criteria provided. Collection method: clinical testing. Allele origin: germline. Affected: yes. Not counted in ClinVar's aggregate classification.

Medical Genetics Laboratory, Umraniye Training and Research Hospital, University of Health Sciences
Classification: Pathogenic for Ovarian carcinoma. Last evaluated: 2021-08-21. Review status: no assertion criteria provided. Collection method: clinical testing. Allele origin: germline. Inheritance: Autosomal dominant inheritance. Affected: yes. Observed: 1 variant allele, 1 heterozygote. Not counted in ClinVar's aggregate classification.
Comment: high grade serous carcinoma

Medical Genetics Laboratory, Umraniye Training and Research Hospital, University of Health Sciences
Classification: Pathogenic for Abnormality of the ovary. Last evaluated: 2021-08-16. Review status: no assertion criteria provided. Collection method: clinical testing. Allele origin: germline. Affected: yes. Observed: 1 variant allele, 1 heterozygote. Not counted in ClinVar's aggregate classification.

CZECANCA consortium
Classification: Pathogenic for Breast and/or ovarian cancer. Last evaluated: 2019-06-11. Review status: no assertion criteria provided. Collection method: clinical testing. Allele origin: germline. Affected: yes. Observed: 30 variant alleles. Not counted in ClinVar's aggregate classification.

German Consortium for Hereditary Breast and Ovarian Cancer, University Hospital Cologne
Classification: Pathogenic for Ovarian neoplasm. Last evaluated: 2018-12-01. Review status: no assertion criteria provided. Collection method: research. Allele origin: germline. Affected: yes. Not counted in ClinVar's aggregate classification.

Counsyl
Classification: Pathogenic for Breast-ovarian cancer, familial, susceptibility to, 1. Last evaluated: 2016-03-03. Review status: no assertion criteria provided. Collection method: clinical testing. Allele origin: unknown. Not counted in ClinVar's aggregate classification.

Research Molecular Genetics Laboratory, Women's College Hospital, University of Toronto
Classification: Pathogenic for Hereditary breast ovarian cancer syndrome. Last evaluated: 2014-01-31. Review status: no assertion criteria provided. Collection method: research. Allele origin: germline. Affected: yes. Study: The Canadian Open Genetics Repository (COGR). Not counted in ClinVar's aggregate classification.

Sharing Clinical Reports Project (SCRP)
Classification: Pathogenic for Breast-ovarian cancer, familial 1. Last evaluated: 2012-05-01. Review status: no assertion criteria provided. Collection method: clinical testing. Allele origin: germline. Not counted in ClinVar's aggregate classification.

Breast Cancer Information Core (BIC) (BRCA1)
Classification: Pathogenic for Breast-ovarian cancer, familial 1. Last evaluated: 2002-05-29. Review status: no assertion criteria provided. Collection method: clinical testing. Allele origin: germline. Affected: yes. Observed: 72 variant alleles. Not counted in ClinVar's aggregate classification.

Department of Pathology and Laboratory Medicine, Sinai Health System
Classification: Pathogenic for Malignant tumor of breast. Review status: no assertion criteria provided. Collection method: clinical testing. Allele origin: unknown. Affected: yes. Study: The Canadian Open Genetics Repository (COGR). Not counted in ClinVar's aggregate classification.

Literature cited by the submitters: PubMed 34981296 (cited by Center for Genomic Medicine, Rigshospitalet, Copenhagen University Hospital); PubMed 30441849 (cited by Center for Genomic Medicine, Rigshospitalet, Copenhagen University Hospital and Ambry Genetics); PubMed 20104584 (cited by Labcorp Genetics (formerly Invitae), Labcorp and Variantyx, Inc.); PubMed 15024741 (cited by 7 submitters); PubMed 18489799 (cited by 4 submitters); PubMed 21324516 (cited by 7 submitters); PubMed 23479189 (cited by 3 submitters); PubMed 24010542 (cited by 3 submitters); PubMed 25066507 (cited by Labcorp Genetics (formerly Invitae), Labcorp and Ambry Genetics); PubMed 7606717 (cited by 7 submitters); PubMed 21503673 (cited by 5 submitters); PubMed 22535016 (cited by 5 submitters); PubMed 26843898 (cited by 5 submitters); PubMed 32438681 (cited by Quest Diagnostics Nichols Institute San Juan Capistrano and Mayo Clinic Laboratories, Mayo Clinic); PubMed 28692638 (cited by Quest Diagnostics Nichols Institute San Juan Capistrano); PubMed 30702160 (cited by Quest Diagnostics Nichols Institute San Juan Capistrano); PubMed 17453335 (cited by Quest Diagnostics Nichols Institute San Juan Capistrano); PubMed 33471991 (cited by 3 submitters); PubMed 28205045 (cited by 5 submitters); PubMed 29335924 (cited by 4 submitters); PubMed 29492181 (cited by 3 submitters); PubMed 36299383 (cited by 4 submitters); PubMed 36367610 (cited by 4 submitters); PubMed 23536787 (cited by Dasa); PubMed 22864640 (cited by 3 submitters); PubMed 23199084 (cited by 3 submitters); PubMed 32375709 (cited by Dasa); PubMed 21989022 (cited by Dasa); PubMed 11802209 (cited by 3 submitters); PubMed 11157798 (cited by Variantyx, Inc.); PubMed 8554067 (cited by 5 submitters); PubMed 11389159 (cited by 4 submitters); PubMed 20727672 (cited by 3 submitters); PubMed 24171766 (cited by 3 submitters); PubMed 25366421 (cited by Color Diagnostics, LLC DBA Color Health and Laboratory for Molecular Medicine, Mass General Brigham Personalized Medicine); PubMed 33670479 (cited by Color Diagnostics, LLC DBA Color Health); PubMed 34072659 (cited by Color Diagnostics, LLC DBA Color Health); PubMed 36171877 (cited by Color Diagnostics, LLC DBA Color Health and All of Us Research Program, National Institutes of Health); PubMed 37147448 (cited by Color Diagnostics, LLC DBA Color Health and All of Us Research Program, National Institutes of Health); PubMed 10788334 (cited by Ambry Genetics and Women's Health and Genetics/Laboratory Corporation of America, LabCorp); PubMed 18097605 (cited by Ambry Genetics and Mayo Clinic Laboratories, Mayo Clinic); PubMed 28324225 (cited by Ambry Genetics); PubMed 29339979 (cited by Ambry Genetics and Mayo Clinic Laboratories, Mayo Clinic); PubMed 29453630 (cited by Ambry Genetics); PubMed 29534594 (cited by Ambry Genetics); PubMed 29855275 (cited by Ambry Genetics and Sema4); PubMed 30078507 (cited by Ambry Genetics and Mayo Clinic Laboratories, Mayo Clinic); PubMed 30322717 (cited by Ambry Genetics and Mayo Clinic Laboratories, Mayo Clinic); PubMed 31159747 (cited by Ambry Genetics and Mayo Clinic Laboratories, Mayo Clinic); PubMed 31528241 (cited by Ambry Genetics and Mayo Clinic Laboratories, Mayo Clinic); PubMed 32824581 (cited by Ambry Genetics); PubMed 32846166 (cited by Ambry Genetics and Mayo Clinic Laboratories, Mayo Clinic); PubMed 34011307 (cited by Ambry Genetics and Mayo Clinic Laboratories, Mayo Clinic); PubMed 27836010 (cited by Mayo Clinic Laboratories, Mayo Clinic); PubMed 28888541 (cited by Mayo Clinic Laboratories, Mayo Clinic); PubMed 30257646 (cited by Mayo Clinic Laboratories, Mayo Clinic); PubMed 31742824 (cited by Mayo Clinic Laboratories, Mayo Clinic); PubMed 32341426 (cited by Mayo Clinic Laboratories, Mayo Clinic); PubMed 32719484 (cited by Mayo Clinic Laboratories, Mayo Clinic); PubMed 34637943 (cited by Mayo Clinic Laboratories, Mayo Clinic); PubMed 34657373 (cited by Mayo Clinic Laboratories, Mayo Clinic); PubMed 35220195 (cited by Mayo Clinic Laboratories, Mayo Clinic); PubMed 29446198 (cited by Sema4); PubMed 21702907 (cited by Women's Health and Genetics/Laboratory Corporation of America, LabCorp); PubMed 16267036 (cited by Women's Health and Genetics/Laboratory Corporation of America, LabCorp); PubMed 22160602 (cited by Women's Health and Genetics/Laboratory Corporation of America, LabCorp); PubMed 22685544 (cited by Women's Health and Genetics/Laboratory Corporation of America, LabCorp); PubMed 15865297 (cited by Women's Health and Genetics/Laboratory Corporation of America, LabCorp); PubMed 32295079 (cited by CZECANCA consortium).